The following is an entry in ClinVar:

NM_001292063.2(OTOG):c.2113A>G (p.Thr705Ala)

Gene: OTOG (otogelin; plus strand). Cytogenetic location: 11p15.1.
Variant type: single nucleotide variant.
Coding change: c.2113A>G on transcript NM_001292063.2 (MANE Select); coding-DNA position 2113, A replaced by G.
Protein change: p.Thr705Ala; replaces threonine 705 with alanine.
Molecular consequence: missense variant.
Genome position (GRCh38, 1-based): chr11:17,573,110, A>G. VCF-style: chr11-17573110-A-G. GRCh37 (hg19) VCF-style: chr11-17594657-A-G.
Other names: c.2149A>G, p.Thr717Ala (NM_001277269.2); short protein forms T717A, T705A.
Identifiers: ClinVar variation 666897 (VCV000666897.12), dbSNP rs562612507, ClinGen allele CA5905583.
Genomic context (GRCh38, chr11:17,573,110, plus strand): 5'-TGCCTGGCTCCTGTTCTTCCTTCCCCAGCCTCCTACTCAGTGCAGGCCTGCAGCGTGCTC[A>G]CGGGGGAGATGTTTGCGCCCTGCTCTGCGTTCCTGAGCCCCGTGCCCTACTTTGAGCAGT-3'
Protein context (NP_001278992.1, residues 695-715): SYSVQACSVL[Thr705Ala]GEMFAPCSAF

ClinVar aggregate classification (germline): Uncertain significance. Review status: criteria provided, multiple submitters, no conflicts (2 of 4 stars). 3 submissions from 3 submitters: Uncertain significance (3). Last evaluated 2025-08-20.

Allele frequency attached by ClinVar (database versions not stated): gnomAD exomes 0.00005; ExAC 0.00007; TOPMed 0.00042; gnomAD 0.00048 and 0.00051; 1000 Genomes Project 0.00060; 1000 Genomes Project 30x 0.00078.
gnomAD v4.1: 161 of 1,548,280 alleles (0.01%); highest among the groups gnomAD compares: African/African-American, 0.19%; no homozygotes.

Submissions (3):

GeneDx
Classification: Uncertain significance. Last evaluated: 2025-08-20. Review status: criteria provided, single submitter. Criteria: GeneDx Variant Classification Process June 2021. Collection method: clinical testing. Allele origin: germline. Affected: yes.
Comment: In silico analysis suggests that this missense variant does not alter protein structure/function; Has not been previously published as pathogenic or benign to our knowledge

Labcorp Genetics (formerly Invitae), Labcorp
Classification: Uncertain significance. Last evaluated: 2022-08-23. Review status: criteria provided, single submitter. Criteria: Invitae Variant Classification Sherloc (09022015). Collection method: clinical testing. Allele origin: germline.
Comment: This sequence change replaces threonine, which is neutral and polar, with alanine, which is neutral and non-polar, at codon 717 of the OTOG protein (p.Thr717Ala). This variant is present in population databases (rs562612507, gnomAD 0.2%). This variant has not been reported in the literature in individuals affected with OTOG-related conditions. ClinVar contains an entry for this variant (Variation ID: 666897). Algorithms developed to predict the effect of missense changes on protein structure and function (SIFT, PolyPhen-2, Align-GVGD) all suggest that this variant is likely to be tolerated. In summary, the available evidence is currently insufficient to determine the role of this variant in disease. Therefore, it has been classified as a Variant of Uncertain Significance.

Laboratory for Molecular Medicine, Mass General Brigham Personalized Medicine
Classification: Uncertain significance. Last evaluated: 2018-04-18. Review status: criteria provided, single submitter. Criteria: LMM Criteria. Collection method: clinical testing. Allele origin: germline. Observed: 1 variant allele.
Comment: Variant classified as Uncertain Significance - Favor Benign. The p.Thr717Ala var iant in OTOG has not been previously reported in individuals with hearing loss, but has been identified in 0.15% (23/15226) of African chromosomes by the Genome Aggregation Database (gnomAD; dbSNP rs5626125 07). Although this variant has been seen in the general population, its frequenc y is not high enough to rule out a pathogenic role. Computational prediction too ls and conservation analyses suggest that this variant may not impact the protei n, though this information is not predictive enough to rule out pathogenicity. I n summary, while the clinical significance of the p.Thr717Ala variant is uncerta in, the frequency and computational data suggest that it is more likely to be be nign. ACMG/AMP Criteria applied: BP4.